The following is an entry in ClinVar:

NM_015346.4(ZFYVE26):c.626C>T (p.Ser209Leu)

Gene: ZFYVE26 (zinc finger FYVE-type containing 26; minus strand). Cytogenetic location: 14q24.1.
Variant type: single nucleotide variant.
Coding change: c.626C>T on transcript NM_015346.4 (MANE Select); coding-DNA position 626, C replaced by T.
Protein change: p.Ser209Leu; replaces serine 209 with leucine.
Molecular consequence: missense variant.
Genome position (GRCh38, 1-based): chr14:67,807,658, G>A on the plus strand (C>T on the coding strand, the complement: ZFYVE26 is on the minus strand). VCF-style: chr14-67807658-G-A. GRCh37 (hg19) VCF-style: chr14-68274375-G-A.
Other names: c.626C>T (NM_015346.3); short protein forms S209L.
Identifiers: ClinVar variation 2179822 (VCV002179822.2), dbSNP rs201879207, ClinGen allele CA7240753.

ClinVar aggregate classification (germline): Uncertain significance. Review status: criteria provided, multiple submitters, no conflicts (2 of 4 stars). 2 submissions from 2 submitters: Uncertain significance (2). Last evaluated 2024-04-23.

Conditions:
Inborn genetic diseases. Identifiers: MedGen C0950123, MeSH D030342.
Spastic paraplegia. Identifiers: MedGen C0037772, HP:0001258.

Allele frequency attached by ClinVar (database versions not stated): gnomAD exomes 0.00002; ExAC 0.00003; gnomAD 0.00005; TOPMed 0.00005; ESP Exome Variant Server 0.00008.
gnomAD v4.1: 30 of 1,614,038 alleles (0.0019%); highest among the groups gnomAD compares: East Asian, 0.0067%; 1 homozygote.

Submissions (2):

Ambry Genetics
Classification: Uncertain significance for Inborn genetic diseases. Last evaluated: 2024-04-23. Review status: criteria provided, single submitter. Criteria: Ambry Variant Classification Scheme 2023. Collection method: clinical testing. Allele origin: germline.

Labcorp Genetics (formerly Invitae), Labcorp
Classification: Uncertain significance for Spastic paraplegia. Last evaluated: 2022-11-01. Review status: criteria provided, single submitter. Criteria: Invitae Variant Classification Sherloc (09022015). Collection method: clinical testing. Allele origin: germline.
Comment: This sequence change replaces serine, which is neutral and polar, with leucine, which is neutral and non-polar, at codon 209 of the ZFYVE26 protein (p.Ser209Leu). This variant is present in population databases (rs201879207, gnomAD 0.01%). This variant has not been reported in the literature in individuals affected with ZFYVE26-related conditions. Algorithms developed to predict the effect of missense changes on protein structure and function (SIFT, PolyPhen-2, Align-GVGD) all suggest that this variant is likely to be tolerated. In summary, the available evidence is currently insufficient to determine the role of this variant in disease. Therefore, it has been classified as a Variant of Uncertain Significance.